The following is an entry in ClinVar:

NM_018006.5(TRMU):c.478+1G>A

Gene: TRMU (tRNA mitochondrial 2-thiouridylase; plus strand). Cytogenetic location: 22q13.31.
Variant type: single nucleotide variant.
Coding change: c.478+1G>A on transcript NM_018006.5 (MANE Select); the canonical splice donor site of the intron after coding-DNA position 478, G replaced by A.
Molecular consequence: splice donor variant.
Genome position (GRCh38, 1-based): chr22:46,346,545, G>A. VCF-style: chr22-46346545-G-A. GRCh37 (hg19) VCF-style: chr22-46742442-G-A.
Other names: c.478+1G>A (NM_001282785.2); c.136+1G>A (NM_001282782.2); c.117+1G>A (NM_001282783.2, NM_001282784.2).
Identifiers: ClinVar variation 643178 (VCV000643178.8), dbSNP rs1569072157, ClinGen allele CA411944230.

ClinVar aggregate classification (germline): Likely pathogenic. Review status: criteria provided, multiple submitters, no conflicts (2 of 4 stars). 2 submissions from 2 submitters: Likely pathogenic (2). Last evaluated 2023-10-04.

Conditions:
Aminoglycoside-induced deafness. Also called: DEAFNESS, STREPTOMYCIN-INDUCED; STREPTOMYCIN OTOTOXICITY; MT-RNR1-Related Hearing Loss and Deafness. Identifiers: Orphanet 168609, MedGen C1838854, MONDO:0010799, OMIM 580000.

Allele frequency attached by ClinVar (database versions not stated): gnomAD exomes below 0.00001.
gnomAD v4.1: 2 of 1,609,648 alleles (0.00012%); highest among the groups gnomAD compares: Non-Finnish European, 0.00017%; no homozygotes.

Submissions (2):

Labcorp Genetics (formerly Invitae), Labcorp
Classification: Likely pathogenic. Last evaluated: 2023-10-04. Review status: criteria provided, single submitter. Criteria: Invitae Variant Classification Sherloc (09022015). Collection method: clinical testing. Allele origin: germline.
Comment: This sequence change affects a donor splice site in intron 4 of the TRMU gene. It is expected to disrupt RNA splicing. Variants that disrupt the donor or acceptor splice site typically lead to a loss of protein function (PMID: 16199547), and loss-of-function variants in TRMU are known to be pathogenic (PMID: 19732863, 23625533). This variant is not present in population databases (gnomAD no frequency). This variant has not been reported in the literature in individuals affected with TRMU-related conditions. ClinVar contains an entry for this variant (Variation ID: 643178). Algorithms developed to predict the effect of sequence changes on RNA splicing suggest that this variant may disrupt the consensus splice site. In summary, the currently available evidence indicates that the variant is pathogenic, but additional data are needed to prove that conclusively. Therefore, this variant has been classified as Likely Pathogenic.

Baylor Genetics
Classification: Likely pathogenic for Aminoglycoside-induced deafness. Last evaluated: 2023-09-26. Review status: criteria provided, single submitter. Criteria: ACMG Guidelines, 2015. Collection method: clinical testing. Allele origin: unknown.

Literature cited by the submitters: PubMed 16199547 (cited by Labcorp Genetics (formerly Invitae), Labcorp); PubMed 19732863 (cited by Labcorp Genetics (formerly Invitae), Labcorp); PubMed 23625533 (cited by Labcorp Genetics (formerly Invitae), Labcorp).